The following is an entry in ClinVar:

ClinVar aggregate classification (germline): Likely benign. Review status: criteria provided, multiple submitters, no conflicts (2 of 4 stars). 3 submissions from 3 submitters: Likely benign (2). 1 of the submissions does not count toward it. Last evaluated 2025-11-01.

Conditions:
TTN-related disorder. Also called: TTN-related condition; TTN-related disease; TTN-related disorders.
Cardiovascular phenotype. Identifiers: MedGen CN230736.

Allele frequency attached by ClinVar (database versions not stated): gnomAD 0.00001; gnomAD exomes 0.00002; ExAC 0.00005; 1000 Genomes Project 30x 0.00016; 1000 Genomes Project 0.00020.
gnomAD v4.1: 27 of 1,613,482 alleles (0.0017%); highest among the groups gnomAD compares: South Asian, 0.025%; no homozygotes.

Submissions (3):

CeGaT Center for Human Genetics Tuebingen
Classification: Likely benign. Last evaluated: 2025-11-01. Review status: criteria provided, single submitter. Criteria: CeGaT Center For Human Genetics Tuebingen Variant Classification Criteria Version 2. Collection method: clinical testing. Allele origin: germline. Affected: yes. Observed: 1 variant allele.
Comment: TTN: BP4, BP7

Ambry Genetics
Classification: Likely benign for Cardiovascular phenotype. Last evaluated: 2023-01-29. Review status: criteria provided, single submitter. Criteria: Ambry Variant Classification Scheme 2023. Collection method: clinical testing. Allele origin: germline.

PreventionGenetics, part of Exact Sciences
Classification: Likely benign for TTN-related condition. Last evaluated: 2024-07-29. Review status: no assertion criteria provided. Collection method: clinical testing. Allele origin: germline. Not counted in ClinVar's aggregate classification.
Comment: This variant is classified as likely benign based on ACMG/AMP sequence variant interpretation guidelines (Richards et al. 2015 PMID: 25741868, with internal and published modifications).

NM_001267550.2(TTN):c.76014A>G (p.Gly25338=)

Genes: TTN (titin; minus strand), TTN-AS1 (TTN antisense RNA 1; plus strand). Cytogenetic location: 2q31.2.
Variant type: single nucleotide variant.
Coding change: c.76014A>G on transcript NM_001267550.2 (MANE Select); coding-DNA position 76014, A replaced by G.
Protein change: p.Gly25338=; no amino-acid change (glycine 25338 retained).
Molecular consequence: synonymous variant.
Genome position (GRCh38, 1-based): chr2:178,570,118, T>C on the plus strand (A>G on the coding strand, the complement: TTN is on the minus strand). VCF-style: chr2-178570118-T-C. GRCh37 (hg19) VCF-style: chr2-179434845-T-C.
Other names: c.71091A>G, p.Gly23697= (NM_001256850.1); c.48819A>G, p.Gly16273= (NM_003319.4); c.68310A>G, p.Gly22770= (NM_133378.4); c.49194A>G, p.Gly16398= (NM_133432.3); c.49395A>G, p.Gly16465= (NM_133437.4).
Identifiers: ClinVar variation 2451916 (VCV002451916.9), dbSNP rs555117381, ClinGen allele CA1989966.